The following is an entry in ClinVar:

NM_001458.5(FLNC):c.2905del (p.Ile969fs)

Gene: FLNC (filamin C; plus strand). Cytogenetic location: 7q32.1.
Variant type: Deletion.
Coding change: c.2905del on transcript NM_001458.5 (MANE Select); coding-DNA position 2905, one base deleted (A; older notation c.2905delA).
Protein change: p.Ile969fs; shifts the reading frame from isoleucine 969.
Molecular consequence: frameshift variant.
Genome position (GRCh38, 1-based): chr7:128,843,889, A deleted; the last of 4 consecutive A bases (chr7:128,843,886-128,843,889); deleting any one gives the same sequence. VCF-style (leftmost placement, unchanged base first): chr7-128843885-CA-C. GRCh37 (hg19) VCF-style: chr7-128483939-CA-C.
Other names: c.2905del, p.Ile969fs (NM_001127487.2); short protein forms I969fs.
Identifiers: ClinVar variation 1076332 (VCV001076332.7), dbSNP rs2128936107, ClinGen allele CA2499218734.

ClinVar aggregate classification (germline): Pathogenic (1 of 4 stars; one submission).

Conditions:
Myofibrillar myopathy 5. Also called: Filaminopathy (type); FILAMINOPATHY, AUTOSOMAL DOMINANT. Identifiers: Orphanet 171445, MedGen C1836050, MONDO:0012289, OMIM 609524.
Distal myopathy with posterior leg and anterior hand involvement. Also called: WILLIAMS DISTAL MYOPATHY. Identifiers: Orphanet 63273, MedGen C3279722, MONDO:0013550, OMIM 614065.
Hypertrophic cardiomyopathy 26. Also called: Cardiomyopathy, familial hypertrophic, 26. Identifiers: Orphanet 75249, MedGen C4310749, MONDO:0014883, OMIM 617047.

Submission:

Labcorp Genetics (formerly Invitae), Labcorp
Classification: Pathogenic for Distal myopathy with posterior leg and anterior hand involvement; Myofibrillar myopathy 5; Hypertrophic cardiomyopathy 26. Last evaluated: 2020-09-05. Review status: criteria provided, single submitter. Criteria: Invitae Variant Classification Sherloc (09022015). Collection method: clinical testing. Allele origin: germline.
Comment: This sequence change creates a premature translational stop signal (p.Ile969Serfs*20) in the FLNC gene. It is expected to result in an absent or disrupted protein product. This variant is not present in population databases (ExAC no frequency). This variant has not been reported in the literature in individuals with FLNC-related conditions. Loss-of-function variants in FLNC are known to be pathogenic (PMID: 27908349). For these reasons, this variant has been classified as Pathogenic.

Literature cited by the submitters: PubMed 27908349.